The following is an entry in ClinVar:

NM_198578.4(LRRK2):c.1486A>T (p.Thr496Ser)

Gene: LRRK2 (leucine rich repeat kinase 2; plus strand). Cytogenetic location: 12q12.
Variant type: single nucleotide variant.
Coding change: c.1486A>T on transcript NM_198578.4 (MANE Select); coding-DNA position 1486, A replaced by T.
Protein change: p.Thr496Ser; replaces threonine 496 with serine.
Molecular consequence: missense variant.
Genome position (GRCh38, 1-based): chr12:40,259,547, A>T. VCF-style: chr12-40259547-A-T. GRCh37 (hg19) VCF-style: chr12-40653349-A-T.
Other names: short protein forms T496S.
Identifiers: ClinVar variation 3291936 (VCV003291936.1).

ClinVar aggregate classification (germline): Uncertain significance (1 of 4 stars; one submission).

Conditions:
Inborn genetic diseases. Identifiers: MedGen C0950123, MeSH D030342.

Submission:

Ambry Genetics
Classification: Uncertain significance for Inborn genetic diseases. Last evaluated: 2024-03-27. Review status: criteria provided, single submitter. Criteria: Ambry Variant Classification Scheme 2023. Collection method: clinical testing. Allele origin: germline.
Comment: The p.T496S variant (also known as c.1486A>T), located in coding exon 13 of the LRRK2 gene, results from an A to T substitution at nucleotide position 1486. The threonine at codon 496 is replaced by serine, an amino acid with similar properties. This amino acid position is conserved. In addition, this alteration is predicted to be tolerated by in silico analysis. Based on the available evidence, the clinical significance of this alteration remains unclear.